The following is an entry in ClinVar:

ClinVar aggregate classification (germline): Benign. Review status: criteria provided, multiple submitters, no conflicts (2 of 4 stars). 2 submissions from 2 submitters: Benign (2). Last evaluated 2018-06-19.

Allele frequency attached by ClinVar (database versions not stated): gnomAD exomes 0.04570; gnomAD 0.08791 and 0.08836; TOPMed 0.10031; 1000 Genomes Project 0.13219.
gnomAD v4.1: 76,211 of 1,510,354 alleles (5%); highest among the groups gnomAD compares: East Asian, 22%; 3,589 homozygotes.

Submissions (2):

GeneDx
Classification: Benign. Last evaluated: 2018-06-19. Review status: criteria provided, single submitter. Criteria: GeneDx Variant Classification (06012015). Collection method: clinical testing. Allele origin: germline. Affected: yes.
Comment: This variant is considered likely benign or benign based on one or more of the following criteria: it is a conservative change, it occurs at a poorly conserved position in the protein, it is predicted to be benign by multiple in silico algorithms, and/or has population frequency not consistent with disease.

Breakthrough Genomics
Classification: Benign. Review status: criteria provided, single submitter. Criteria: ACMG Guidelines, 2015. Collection method: not provided. Allele origin: germline. Inheritance: Autosomal dominant inheritance. Affected: yes.

NM_001376.5(DYNC1H1):c.13218+70T>G

Gene: DYNC1H1 (dynein cytoplasmic 1 heavy chain 1; plus strand). Cytogenetic location: 14q32.31.
Variant type: single nucleotide variant.
Coding change: c.13218+70T>G on transcript NM_001376.5 (MANE Select); 70 bases into the intron after coding-DNA position 13218, T replaced by G.
Molecular consequence: intron variant.
Genome position (GRCh38, 1-based): chr14:102,048,098, T>G. VCF-style: chr14-102048098-T-G. GRCh37 (hg19) VCF-style: chr14-102514435-T-G.
Identifiers: ClinVar variation 674465 (VCV000674465.2), dbSNP rs2273656, ClinGen allele CA14013771.